The following is an entry in ClinVar:

NM_002439.5(MSH3):c.2544-10T>C

Gene: MSH3 (mutS homolog 3; plus strand). Cytogenetic location: 5q14.1.
Variant type: single nucleotide variant.
Coding change: c.2544-10T>C on transcript NM_002439.5 (MANE Select); 10 bases into the intron before coding-DNA position 2544, T replaced by C.
Molecular consequence: intron variant.
Genome position (GRCh38, 1-based): chr5:80,792,723, T>C. VCF-style: chr5-80792723-T-C. GRCh37 (hg19) VCF-style: chr5-80088542-T-C.
Identifiers: ClinVar variation 760400 (VCV000760400.14), dbSNP rs753997322, ClinGen allele CA3328293.

ClinVar aggregate classification (germline): Conflicting classifications of pathogenicity. Review status: criteria provided, conflicting classifications (1 of 4 stars). 4 submissions from 4 submitters: Uncertain significance (1); Likely benign (3). Last evaluated 2026-02-13.

Conditions:
MSH3-related disorder. Also called: MSH3-related condition.
Familial adenomatous polyposis 4 (FAP4). Also called: MSH3-related attenuated familial adenomatous polyposis. Identifiers: Orphanet 480536, MedGen C4310719, MONDO:0044300, OMIM 617100.
Hereditary cancer-predisposing syndrome. Also called: Hereditary neoplastic syndrome; Neoplastic Syndromes, Hereditary; Hereditary Cancer Syndrome; Tumor predisposition. Identifiers: Orphanet 140162, MedGen C0027672, MeSH D009386, MONDO:0015356.

Allele frequency attached by ClinVar (database versions not stated): ExAC 0.00001; gnomAD exomes 0.00001 and 0.00002; TOPMed 0.00001; gnomAD 0.00003.
gnomAD v4.1: 20 of 1,549,918 alleles (0.0013%); highest among the groups gnomAD compares: Middle Eastern, 0.017%; no homozygotes.

Submissions (4):

PreventionGenetics, part of Exact Sciences
Classification: Likely benign for MSH3-related condition. Last evaluated: 2026-02-13. Review status: criteria provided, single submitter. Criteria: ACMG Guidelines, 2015. Collection method: clinical testing. Allele origin: germline.
Comment: This variant is classified as likely benign based on ACMG/AMP sequence variant interpretation guidelines (Richards et al. 2015 PMID: 25741868, with internal and published modifications).

Labcorp Genetics (formerly Invitae), Labcorp
Classification: Likely benign. Last evaluated: 2025-12-15. Review status: criteria provided, single submitter. Criteria: Invitae Variant Classification Sherloc (09022015). Collection method: clinical testing. Allele origin: germline.

Department of Pathology and Laboratory Medicine, Sinai Health System
Classification: Likely benign for Familial adenomatous polyposis 4. Last evaluated: 2024-07-15. Review status: criteria provided, single submitter. Criteria: ACMG Guidelines, 2015. Collection method: clinical testing. Allele origin: germline. Affected: yes.

Sema4
Classification: Uncertain significance for Hereditary cancer-predisposing syndrome. Last evaluated: 2021-08-25. Review status: criteria provided, single submitter. Criteria: Sema4 Curation Guidelines. Collection method: curation. Allele origin: germline.
Comment: The MSH3 c.2544-10T>C variant has not been reported in the literature to our knowledge. It was observed in 6/278948 chromosomes in the large and broad cohorts of the Genome Aggregation Database (PMID: 32461654). The variant has been reported in ClinVar (Variation ID 760400). In silico tools suggest that the variant does not impact splicing, though these predictions have not been confirmed by functional studies. The evidence is insufficient to meet ACMG/AMP criteria for classifying the variant as benign or pathogenic. Thus, the clinical significance of this variant is currently uncertain.